The following is an entry in ClinVar:

ClinVar aggregate classification (germline): Uncertain significance (1 of 4 stars; one submission).

Allele frequency attached by ClinVar (database versions not stated): TOPMed below 0.00001.
gnomAD v4.1: 1 of 1,613,330 alleles (0.000062%); highest among the groups gnomAD compares: East Asian, 0.0022%; no homozygotes.

Submission:

Labcorp Genetics (formerly Invitae), Labcorp
Classification: Uncertain significance. Last evaluated: 2022-11-08. Review status: criteria provided, single submitter. Criteria: Invitae Variant Classification Sherloc (09022015). Collection method: clinical testing. Allele origin: germline.
Comment: In summary, the available evidence is currently insufficient to determine the role of this variant in disease. Therefore, it has been classified as a Variant of Uncertain Significance. Algorithms developed to predict the effect of missense changes on protein structure and function are either unavailable or do not agree on the potential impact of this missense change (SIFT: "Not Available"; PolyPhen-2: "Benign"; Align-GVGD: "Not Available"). This variant has not been reported in the literature in individuals affected with CRADD-related conditions. This variant is not present in population databases (gnomAD no frequency). This sequence change replaces valine, which is neutral and non-polar, with leucine, which is neutral and non-polar, at codon 135 of the CRADD protein (p.Val135Leu).

NM_003805.5(CRADD):c.403G>T (p.Val135Leu)

Gene: CRADD (CARD and death domain containing adaptor protein; plus strand). Cytogenetic location: 12q22.
Variant type: single nucleotide variant.
Coding change: c.403G>T on transcript NM_003805.5 (MANE Select); coding-DNA position 403, G replaced by T.
Protein change: p.Val135Leu; replaces valine 135 with leucine.
Molecular consequence: missense variant. On other transcripts: intron variant (1).
Genome position (GRCh38, 1-based): chr12:93,850,074, G>T. VCF-style: chr12-93850074-G-T. GRCh37 (hg19) VCF-style: chr12-94243850-G-T.
Other names: c.403G>T, p.Val135Leu (NM_001320099.2); c.299-43976G>T (NM_001320100.2); short protein forms V135L.
Identifiers: ClinVar variation 2114260 (VCV002114260.4), dbSNP rs1958194482, ClinGen allele CA386142522.